The following is an entry in ClinVar:

ClinVar aggregate classification (germline): Uncertain significance (1 of 4 stars; one submission).

Conditions:
AFF2-related disorder. Also called: AFF2-related condition.

Allele frequency attached by ClinVar (database versions not stated): ExAC 0.00001; gnomAD exomes 0.00001.
gnomAD v4.1: 10 of 1,212,078 alleles (0.00083%); highest among the groups gnomAD compares: Admixed American, 0.0043%; no homozygotes.

Submission:

PreventionGenetics, part of Exact Sciences
Classification: Uncertain significance for AFF2-related condition. Last evaluated: 2022-08-25. Review status: criteria provided, single submitter. Criteria: ACMG Guidelines, 2015. Collection method: clinical testing. Allele origin: germline.
Comment: The AFF2 c.2459A>G variant is predicted to result in the amino acid substitution p.His820Arg. To our knowledge, this variant has not been reported in the literature. This variant is reported in 0.0036% of alleles in individuals of Latino descent in gnomAD. At this time, the clinical significance of this variant is uncertain due to the absence of conclusive functional and genetic evidence.

NM_002025.4(AFF2):c.2459A>G (p.His820Arg)

Gene: AFF2 (ALF transcription elongation factor 2; plus strand). Cytogenetic location: Xq28.
Variant type: single nucleotide variant.
Coding change: c.2459A>G on transcript NM_002025.4 (MANE Select); coding-DNA position 2459, A replaced by G.
Protein change: p.His820Arg; replaces histidine 820 with arginine.
Molecular consequence: missense variant.
Genome position (GRCh38, 1-based): chrX:148,956,504, A>G. VCF-style: chrX-148956504-A-G. GRCh37 (hg19) VCF-style: chrX-148038034-A-G.
Other names: c.2360A>G, p.His787Arg (NM_001169122.2); c.2429A>G, p.His810Arg (NM_001169123.2); c.2354A>G, p.His785Arg (NM_001169124.2); c.2342A>G, p.His781Arg (NM_001169125.2); c.1382A>G, p.His461Arg (NM_001170628.1); short protein forms H461R, H781R, H785R, H787R, H810R, H820R.
Identifiers: ClinVar variation 2636273 (VCV002636273.1), dbSNP rs782334806, ClinGen allele CA10537143.